The following is an entry in ClinVar:

NM_017414.4(USP18):c.866G>A (p.Arg289Gln)

Gene: USP18 (ubiquitin specific peptidase 18; plus strand). Cytogenetic location: 22q11.21.
Variant type: single nucleotide variant.
Coding change: c.866G>A on transcript NM_017414.4 (MANE Select); coding-DNA position 866, G replaced by A.
Protein change: p.Arg289Gln; replaces arginine 289 with glutamine.
Molecular consequence: missense variant.
Genome position (GRCh38, 1-based): chr22:18,170,895, G>A. VCF-style: chr22-18170895-G-A. GRCh37 (hg19) VCF-style: chr22-18653662-G-A.
Other names: p.Arg289Gln; short protein forms R289Q.
Identifiers: ClinVar variation 4634258 (VCV004634258.3).
Genomic context (GRCh38, chr22:18,170,895, plus strand): 5'-TCTGCCACTCCCTGTACTTCCCCCAGAGCTTGGATTTCAGCCAGATCCTTCCAATGAAGC[G>A]AGAGTCTTGTGATGCTGAGGAGCAGGTGGGATGATCCCGACCTCCTTGCCATCCTGCCTC-3'
Protein context (NP_059110.2, residues 279-299): LDFSQILPMK[Arg289Gln]ESCDAEEQSG

ClinVar aggregate classification (germline): Likely benign. Review status: criteria provided, multiple submitters, no conflicts (2 of 4 stars). 3 submissions from 3 submitters: Likely benign (3). Last evaluated 2025-11-08.

Conditions:
Inborn genetic diseases. Identifiers: MedGen C0950123, MeSH D030342.

Submissions (3):

Ambry Genetics
Classification: Likely benign for Inborn genetic diseases. Last evaluated: 2025-11-08. Review status: criteria provided, single submitter. Criteria: Ambry Variant Classification Scheme 2023. Collection method: clinical testing. Allele origin: germline.

Mayo Clinic Laboratories, Mayo Clinic
Classification: Likely benign. Last evaluated: 2025-05-15. Review status: criteria provided, single submitter. Criteria: ACMG Guidelines, 2015. Collection method: clinical testing. Allele origin: germline. Observed: 6 variant alleles.
Comment: BS2, BP4

Blueprint Genetics
Classification: Likely benign. Last evaluated: 2024-11-21. Review status: criteria provided, single submitter. Criteria: ACMG Guidelines, 2015. Collection method: clinical testing. Allele origin: germline.